The following is an entry in ClinVar:

ClinVar aggregate classification (germline): Likely pathogenic (1 of 4 stars; one submission).

Conditions:
Autosomal recessive Alport syndrome (ATS2). Also called: ALPORT SYNDROME 2, AUTOSOMAL RECESSIVE; COL4A3-Related Nephropathy; Alport syndrome type 2; COL4A4 Alport Syndrome and Thin Basement Membrane Nephropathy. Identifiers: Orphanet 63, Orphanet 88919, MedGen C4746745, MONDO:0008762, OMIM 203780.

Submission:

3billion
Classification: Likely pathogenic for Autosomal recessive Alport syndrome. Last evaluated: 2024-06-22. Review status: criteria provided, single submitter. Criteria: ACMG Guidelines, 2015. Collection method: clinical testing. Allele origin: germline. Affected: yes.
Comment: The variant is not observed in the gnomAD v4.0.0 dataset. Predicted Consequence/Location: Frameshift: predicted to result in a loss or disruption of normal protein function through nonsense-mediated decay (NMD) or protein truncation. Multiple pathogenic variants are reported downstream of the variant. Therefore, this variant is classified as Likely pathogenic according to the recommendation of ACMG/AMP guideline.

NM_000092.5(COL4A4):c.1358dup (p.Gly454fs)

Gene: COL4A4 (collagen type IV alpha 4 chain; minus strand). Cytogenetic location: 2q36.3.
Variant type: Duplication.
Coding change: c.1358dup on transcript NM_000092.5 (MANE Select); coding-DNA position 1358, one base duplicated (C; older notation c.1358dupC).
Protein change: p.Gly454fs; shifts the reading frame from glycine 454.
Molecular consequence: frameshift variant.
Genome position (GRCh38, 1-based): chr2:227,094,136, G duplicated on the plus strand (C on the coding strand, the reverse complement: COL4A4 is on the minus strand); the first of 3 consecutive G bases (chr2:227,094,136-227,094,138); duplicating any one gives the same sequence. VCF-style (leftmost placement, unchanged base first): chr2-227094135-T-TG. GRCh37 (hg19) VCF-style: chr2-227958851-T-TG.
Other names: short protein forms G454fs.
Identifiers: ClinVar variation 4293616 (VCV004293616.1).